The following is an entry in ClinVar:

ClinVar aggregate classification (germline): Conflicting classifications of pathogenicity. Review status: criteria provided, conflicting classifications (1 of 4 stars). 2 submissions from 2 submitters: Uncertain significance (1); Benign (1). Last evaluated 2025-02-16.

Conditions:
Majeed syndrome (MJDS). Also called: LPIN2-Related Majeed Syndrome; CHRONIC RECURRENT MULTIFOCAL OSTEOMYELITIS 1, WITH CONGENITAL DYSERYTHROPOIETIC ANEMIA, WITH OR WITHOUT NEUTROPHILIC DERMATOSIS. Identifiers: Orphanet 77297, MedGen C1864997, MONDO:0012316, OMIM 609628.

Allele frequency attached by ClinVar (database versions not stated): gnomAD 0.00001; ExAC 0.00002; TOPMed 0.00002.
gnomAD v4.1: 38 of 1,613,968 alleles (0.0024%); highest among the groups gnomAD compares: Non-Finnish European, 0.0029%; no homozygotes.

Submissions (2):

Laboratory of Genetics, Children's Clinical University Hospital Latvia
Classification: Benign. Last evaluated: 2025-02-16. Review status: criteria provided, single submitter. Criteria: ACMG Guidelines, 2015. Collection method: clinical testing. Allele origin: germline. Affected: yes.

Labcorp Genetics (formerly Invitae), Labcorp
Classification: Uncertain significance for Majeed syndrome. Last evaluated: 2024-10-23. Review status: criteria provided, single submitter. Criteria: Invitae Variant Classification Sherloc (09022015). Collection method: clinical testing. Allele origin: germline.
Comment: This sequence change replaces serine, which is neutral and polar, with threonine, which is neutral and polar, at codon 42 of the LPIN2 protein (p.Ser42Thr). This variant is present in population databases (rs201473097, gnomAD 0.005%). This variant has not been reported in the literature in individuals affected with LPIN2-related conditions. ClinVar contains an entry for this variant (Variation ID: 1036579). Invitae Evidence Modeling of protein sequence and biophysical properties (such as structural, functional, and spatial information, amino acid conservation, physicochemical variation, residue mobility, and thermodynamic stability) indicates that this missense variant is not expected to disrupt LPIN2 protein function with a negative predictive value of 80%. In summary, the available evidence is currently insufficient to determine the role of this variant in disease. Therefore, it has been classified as a Variant of Uncertain Significance.

NM_001375808.2(LPIN2):c.125G>C (p.Ser42Thr)

Gene: LPIN2 (lipin 2; minus strand). Cytogenetic location: 18p11.31.
Variant type: single nucleotide variant.
Coding change: c.125G>C on transcript NM_001375808.2 (MANE Select); coding-DNA position 125, G replaced by C.
Protein change: p.Ser42Thr; replaces serine 42 with threonine.
Molecular consequence: missense variant.
Genome position (GRCh38, 1-based): chr18:2,960,716, C>G on the plus strand (G>C on the coding strand, the complement: LPIN2 is on the minus strand). VCF-style: chr18-2960716-C-G. GRCh37 (hg19) VCF-style: chr18-2960714-C-G.
Other names: c.125G>C, p.Ser42Thr (NM_001375809.1, NM_014646.2); short protein forms S42T.
Identifiers: ClinVar variation 1036579 (VCV001036579.8), dbSNP rs201473097, ClinGen allele CA8873642.